The following is an entry in ClinVar:

NM_001710.6(CFB):c.2090-12_2090-10del

Gene: CFB (complement factor B; plus strand). Cytogenetic location: 6p21.33.
Variant type: Microsatellite.
Coding change: c.2090-12_2090-10del on transcript NM_001710.6 (MANE Select); 12 bases into the intron before coding-DNA position 2090 through 10 bases into the intron before coding-DNA position 2090, 3 bases deleted (CTC; older notation c.2090-12_2090-10delCTC).
Molecular consequence: intron variant.
Genome position (GRCh38, 1-based): chr6:31,951,543-31,951,545, CTC deleted; deleting any 3 consecutive bases within chr6:31,951,540-31,951,545 gives the same sequence; the c. name uses the placement nearest the transcript's 3' end. VCF-style (leftmost placement, unchanged base first): chr6-31951539-TCTC-T. GRCh37 (hg19) VCF-style: chr6-31919316-TCTC-T.
Identifiers: ClinVar variation 3610864 (VCV003610864.2).

ClinVar aggregate classification (germline): Uncertain significance (1 of 4 stars; one submission).

Submission:

Labcorp Genetics (formerly Invitae), Labcorp
Classification: Uncertain significance. Last evaluated: 2025-01-17. Review status: criteria provided, single submitter. Criteria: Invitae Variant Classification Sherloc (09022015). Collection method: clinical testing. Allele origin: germline.
Comment: This sequence change falls in intron 16 of the CFB gene. It does not directly change the encoded amino acid sequence of the CFB protein. This variant is not present in population databases (gnomAD no frequency). This variant has not been reported in the literature in individuals affected with CFB-related conditions. Algorithms developed to predict the effect of sequence changes on RNA splicing suggest that this variant may disrupt the consensus splice site. In summary, the available evidence is currently insufficient to determine the role of this variant in disease. Therefore, it has been classified as a Variant of Uncertain Significance.